The following is an entry in ClinVar:

ClinVar aggregate classification (germline): Uncertain significance. Review status: criteria provided, multiple submitters, no conflicts (2 of 4 stars). 2 submissions from 2 submitters: Uncertain significance (2). Last evaluated 2025-11-19.

Conditions:
Hereditary cancer-predisposing syndrome. Also called: Hereditary neoplastic syndrome; Neoplastic Syndromes, Hereditary; Hereditary Cancer Syndrome; Tumor predisposition. Identifiers: Orphanet 140162, MedGen C0027672, MeSH D009386, MONDO:0015356.
EGFR-related lung cancer (EGFR). Identifiers: MedGen CN130014.

Submissions (2):

Ambry Genetics
Classification: Uncertain significance for Hereditary cancer-predisposing syndrome. Last evaluated: 2025-11-19. Review status: criteria provided, single submitter. Criteria: Ambry Variant Classification Scheme 2023. Collection method: clinical testing. Allele origin: germline.
Comment: The p.E412G variant (also known as c.1235A>G), located in coding exon 11 of the EGFR gene, results from an A to G substitution at nucleotide position 1235. The glutamic acid at codon 412 is replaced by glycine, an amino acid with similar properties. This amino acid position is conserved. In addition, this alteration is predicted to be tolerated by in silico analysis. Based on the available evidence, the clinical significance of this variant remains unclear.

Labcorp Genetics (formerly Invitae), Labcorp
Classification: Uncertain significance for EGFR-related lung cancer. Last evaluated: 2023-10-20. Review status: criteria provided, single submitter. Criteria: Invitae Variant Classification Sherloc (09022015). Collection method: clinical testing. Allele origin: germline.
Comment: This sequence change replaces glutamic acid, which is acidic and polar, with glycine, which is neutral and non-polar, at codon 412 of the EGFR protein (p.Glu412Gly). This variant is not present in population databases (gnomAD no frequency). This variant has not been reported in the literature in individuals affected with EGFR-related conditions. Advanced modeling of protein sequence and biophysical properties (such as structural, functional, and spatial information, amino acid conservation, physicochemical variation, residue mobility, and thermodynamic stability) performed at Invitae indicates that this missense variant is not expected to disrupt EGFR protein function. In summary, the available evidence is currently insufficient to determine the role of this variant in disease. Therefore, it has been classified as a Variant of Uncertain Significance.

NM_005228.5(EGFR):c.1235A>G (p.Glu412Gly)

Gene: EGFR (epidermal growth factor receptor; plus strand). Cytogenetic location: 7p11.2.
Variant type: single nucleotide variant.
Coding change: c.1235A>G on transcript NM_005228.5 (MANE Select); coding-DNA position 1235, A replaced by G.
Protein change: p.Glu412Gly; replaces glutamic acid 412 with glycine.
Molecular consequence: missense variant.
Genome position (GRCh38, 1-based): chr7:55,157,690, A>G. VCF-style: chr7-55157690-A-G. GRCh37 (hg19) VCF-style: chr7-55225383-A-G.
Other names: c.1100A>G, p.Glu367Gly (NM_001346897.2, NM_001346899.2); c.1235A>G, p.Glu412Gly (NM_001346898.2, NM_201282.2, NM_201284.2); c.1076A>G, p.Glu359Gly (NM_001346900.2); c.434A>G, p.Glu145Gly (NM_001346941.2); short protein forms E359G, E367G, E412G, E145G.
Identifiers: ClinVar variation 2803638 (VCV002803638.4), dbSNP rs2128939649, ClinGen allele CA367579150.